The following is an entry in ClinVar:

ClinVar aggregate classification (germline): Uncertain significance (1 of 4 stars; one submission).

Allele frequency attached by ClinVar (database versions not stated): gnomAD exomes below 0.00001; ExAC 0.00001.

Submission:

Labcorp Genetics (formerly Invitae), Labcorp
Classification: Uncertain significance. Last evaluated: 2023-09-19. Review status: criteria provided, single submitter. Criteria: Invitae Variant Classification Sherloc (09022015). Collection method: clinical testing. Allele origin: germline.
Comment: In summary, the available evidence is currently insufficient to determine the role of this variant in disease. Therefore, it has been classified as a Variant of Uncertain Significance. An algorithm developed to predict the effect of missense changes on protein structure and function (PolyPhen-2) suggests that this variant is likely to be tolerated. This variant has not been reported in the literature in individuals affected with RBP4-related conditions. This variant is present in population databases (rs754347794, gnomAD 0.006%). This sequence change replaces glutamine, which is neutral and polar, with glutamic acid, which is acidic and polar, at codon 70 of the RBP4 protein (p.Gln70Glu).

NM_006744.4(RBP4):c.208C>G (p.Gln70Glu)

Gene: RBP4 (retinol binding protein 4; minus strand). Cytogenetic location: 10q23.33.
Variant type: single nucleotide variant.
Coding change: c.208C>G on transcript NM_006744.4 (MANE Select); coding-DNA position 208, C replaced by G.
Protein change: p.Gln70Glu; replaces glutamine 70 with glutamic acid.
Molecular consequence: missense variant.
Genome position (GRCh38, 1-based): chr10:93,600,707, G>C on the plus strand (C>G on the coding strand, the complement: RBP4 is on the minus strand). VCF-style: chr10-93600707-G-C. GRCh37 (hg19) VCF-style: chr10-95360464-G-C.
Other names: c.208C>G, p.Gln70Glu (NM_001323517.1); c.202C>G, p.Gln68Glu (NM_001323518.2); short protein forms Q70E, Q68E.
Identifiers: ClinVar variation 2872519 (VCV002872519.3), dbSNP rs754347794, ClinGen allele CA5609637.